The following is an entry in ClinVar:

ClinVar aggregate classification (germline): Benign. Review status: criteria provided, multiple submitters, no conflicts (2 of 4 stars). 2 submissions from 2 submitters: Benign (2). Last evaluated 2018-06-14.

Allele frequency attached by ClinVar (database versions not stated): 1000 Genomes Project 30x 0.02077; 1000 Genomes Project 0.02157; gnomAD 0.03986 and 0.04086; TOPMed 0.04046; ESP Exome Variant Server 0.04862.
gnomAD v4.1: 87,531 of 1,613,604 alleles (5.4%); highest among the groups gnomAD compares: Middle Eastern, 6.4%; 2,687 homozygotes.

Submissions (2):

GeneDx
Classification: Benign. Last evaluated: 2018-06-14. Review status: criteria provided, single submitter. Criteria: GeneDx Variant Classification (06012015). Collection method: clinical testing. Allele origin: germline. Affected: yes.
Comment: This variant is considered likely benign or benign based on one or more of the following criteria: it is a conservative change, it occurs at a poorly conserved position in the protein, it is predicted to be benign by multiple in silico algorithms, and/or has population frequency not consistent with disease.

Breakthrough Genomics
Classification: Benign. Review status: criteria provided, single submitter. Criteria: ACMG Guidelines, 2015. Collection method: not provided. Allele origin: germline. Inheritance: Autosomal dominant inheritance. Affected: yes.

NM_000501.4(ELN):c.326-59G>A

Gene: ELN (elastin; plus strand). Cytogenetic location: 7q11.23.
Variant type: single nucleotide variant.
Coding change: c.326-59G>A on transcript NM_000501.4 (MANE Select); 59 bases into the intron before coding-DNA position 326, G replaced by A.
Molecular consequence: intron variant.
Genome position (GRCh38, 1-based): chr7:74,042,925, G>A. VCF-style: chr7-74042925-G-A. GRCh37 (hg19) VCF-style: chr7-73457255-G-A.
Other names: c.326-59G>A (NM_001081754.3, NM_001081753.3, NM_001278939.2 and 4 more transcripts); c.290-59G>A (NM_001278913.2); c.296-59G>A (NM_001278914.2, NM_001278917.2, NM_001081752.3 and 1 more transcripts).
Identifiers: ClinVar variation 675424 (VCV000675424.2), dbSNP rs28763981, ClinGen allele CA12512144.